The following is an entry in ClinVar:

ClinVar aggregate classification (germline): Uncertain significance. Review status: criteria provided, multiple submitters, no conflicts (2 of 4 stars). 2 submissions from 2 submitters: Uncertain significance (2). Last evaluated 2025-08-29.

Allele frequency attached by ClinVar (database versions not stated): gnomAD exomes 0.00014; ExAC 0.00016; gnomAD 0.00017; TOPMed 0.00018; ESP Exome Variant Server 0.00054.
gnomAD v4.1: 242 of 1,614,128 alleles (0.015%); highest among the groups gnomAD compares: Middle Eastern, 0.15%; no homozygotes.

Submissions (2):

Labcorp Genetics (formerly Invitae), Labcorp
Classification: Uncertain significance. Last evaluated: 2025-08-29. Review status: criteria provided, single submitter. Criteria: Invitae Variant Classification Sherloc (09022015). Collection method: clinical testing. Allele origin: germline.
Comment: This sequence change replaces proline, which is neutral and non-polar, with leucine, which is neutral and non-polar, at codon 13 of the SLC30A7 protein (p.Pro13Leu). This variant is present in population databases (rs140152448, gnomAD 0.03%). This variant has not been reported in the literature in individuals affected with SLC30A7-related conditions. ClinVar contains an entry for this variant (Variation ID: 2349873). An algorithm developed to predict the effect of missense changes on protein structure and function (PolyPhen-2) suggests that this variant is likely to be tolerated. In summary, the available evidence is currently insufficient to determine the role of this variant in disease. Therefore, it has been classified as a Variant of Uncertain Significance.

Ambry Genetics
Classification: Uncertain significance. Last evaluated: 2024-08-01. Review status: criteria provided, single submitter. Criteria: Ambry Variant Classification Scheme 2023. Collection method: clinical testing. Allele origin: germline.

NM_133496.5(SLC30A7):c.38C>T (p.Pro13Leu)

Genes: SLC30A7 (solute carrier family 30 member 7; plus strand), LOC129931031 (ATAC-STARR-seq lymphoblastoid active region 1388; plus strand). Cytogenetic location: 1p21.2.
Variant type: single nucleotide variant.
Coding change: c.38C>T on transcript NM_133496.5 (MANE Select); coding-DNA position 38, C replaced by T.
Protein change: p.Pro13Leu; replaces proline 13 with leucine.
Molecular consequence: missense variant.
Genome position (GRCh38, 1-based): chr1:100,896,300, C>T. VCF-style: chr1-100896300-C-T. GRCh37 (hg19) VCF-style: chr1-101361856-C-T.
Other names: c.38C>T, p.Pro13Leu (NM_001144884.2); short protein forms P13L.
Identifiers: ClinVar variation 2349873 (VCV002349873.4), dbSNP rs140152448, ClinGen allele CA971952.